The following is an entry in ClinVar:

ClinVar aggregate classification (germline): Uncertain significance (1 of 4 stars; one submission).

Conditions:
RASopathy. Also called: Noonan spectrum disorder; rasopathies. Identifiers: Orphanet 536391, MedGen C5555857, MONDO:0021060.

Submission:

Labcorp Genetics (formerly Invitae), Labcorp
Classification: Uncertain significance for RASopathy. Last evaluated: 2024-01-20. Review status: criteria provided, single submitter. Criteria: Invitae Variant Classification Sherloc (09022015). Collection method: clinical testing. Allele origin: germline.
Comment: A copy number gain of the genomic region encompassing the full coding sequence of the KRAS gene has been identified. The boundaries of this event are unknown as they extend beyond the assayed region for this gene and therefore may encompass additional genes. As the precise location of this event is unknown, it may be in tandem or it may be located elsewhere in the genome. Isolated whole-gene copy number gains of KRAS have not been reported in the literature. However, larger copy number events that include this gene have been reported (PMID: 26580448, 27450488). In summary, the available evidence is currently insufficient to determine the role of this variant in disease. Therefore, it has been classified as a Variant of Uncertain Significance.

Literature cited by the submitters: PubMed 26580448; PubMed 27450488.

NC_000012.11:g.(?_25362729)_(25398318_?)dup

Gene: KRAS (KRAS proto-oncogene, GTPase; minus strand). Cytogenetic location: 12p12.1.
Variant type: Duplication.
Identifiers: ClinVar variation 1433063 (VCV001433063.5).